The following is an entry in ClinVar:

NM_201384.3(PLEC):c.11854G>A (p.Ala3952Thr)

Gene: PLEC (plectin; minus strand). Cytogenetic location: 8q24.3.
Variant type: single nucleotide variant.
Coding change: c.11854G>A on transcript NM_201384.3 (MANE Select); coding-DNA position 11854, G replaced by A.
Protein change: p.Ala3952Thr; replaces alanine 3952 with threonine.
Molecular consequence: missense variant.
Genome position (GRCh38, 1-based): chr8:143,917,967, C>T on the plus strand (G>A on the coding strand, the complement: PLEC is on the minus strand). VCF-style: chr8-143917967-C-T. GRCh37 (hg19) VCF-style: chr8-144992135-C-T.
Other names: c.11812G>A, p.Ala3938Thr (NM_201378.4); c.11788G>A, p.Ala3930Thr (NM_201379.3); c.12265G>A, p.Ala4089Thr (NM_201380.4); c.11758G>A, p.Ala3920Thr (NM_201381.3); c.11854G>A, p.Ala3952Thr (NM_201382.4); c.11866G>A, p.Ala3956Thr (NM_201383.3); c.11935G>A, p.Ala3979Thr (NM_000445.5); c.8554G>A, p.Ala2852Thr (NM_001410941.1); short protein forms A2852T, A3930T, A3938T, A3952T, A3956T, A3979T, A3920T, A4089T.
Identifiers: ClinVar variation 4793263 (VCV004793263.1).

ClinVar aggregate classification (germline): Uncertain significance (1 of 4 stars; one submission).

Conditions:
Epidermolysis bullosa simplex 5B, with muscular dystrophy (EBS5B). Also called: EPIDERMOLYSIS BULLOSA SIMPLEX AND LIMB-GIRDLE MUSCULAR DYSTROPHY; Epidermolysis bullosa simplex with muscular dystrophy. Identifiers: Orphanet 257, MedGen C2931072, MONDO:0009181, OMIM 226670.
Epidermolysis bullosa simplex, Ogna type (EBS5A). Also called: Pidermolysis bullosa simplex 5A, Ogna type; EPIDERMOLYSIS BULLOSA SIMPLEX 5A, OGNA TYPE. Identifiers: Orphanet 79401, MedGen C0432317, MONDO:0007555, OMIM 131950.
Epidermolysis bullosa simplex 5C, with pyloric atresia (EBS5C). Also called: Epidermolysis bullosa simplex with pyloric atresia; PLEC-Related Epidermolysis Bullosa with Pyloric Atresia; PLEC1-Related Epidermolysis Bullosa with Pyloric Atresia. Identifiers: Orphanet 158684, MedGen C2677349, MONDO:0012807, OMIM 612138.
Autosomal recessive limb-girdle muscular dystrophy type 2Q (LGMDR17). Also called: MUSCULAR DYSTROPHY, LIMB-GIRDLE, AUTOSOMAL RECESSIVE 17. Identifiers: Orphanet 254361, MedGen C3150989, MONDO:0013390, OMIM 613723.
Epidermolysis bullosa simplex with nail dystrophy (EBS5D). Identifiers: MedGen C4225309, MONDO:0014661, OMIM 616487.

Submission:

Labcorp Genetics (formerly Invitae), Labcorp
Classification: Uncertain significance for Autosomal recessive limb-girdle muscular dystrophy type 2Q; Epidermolysis bullosa simplex, Ogna type; Epidermolysis bullosa simplex with nail dystrophy; Epidermolysis bullosa simplex 5C, with pyloric atresia; Epidermolysis bullosa simplex 5B, with muscular dystrophy. Last evaluated: 2026-01-27. Review status: criteria provided, single submitter. Criteria: Invitae Variant Classification Sherloc (09022015). Collection method: clinical testing. Allele origin: germline.
Comment: This sequence change replaces alanine, which is neutral and non-polar, with threonine, which is neutral and polar, at codon 3979 of the PLEC protein (p.Ala3979Thr). This variant is not present in population databases (gnomAD no frequency). This variant has not been reported in the literature in individuals affected with PLEC-related conditions. Invitae Evidence Modeling of protein sequence and biophysical properties (such as structural, functional, and spatial information, amino acid conservation, physicochemical variation, residue mobility, and thermodynamic stability) indicates that this missense variant is not expected to disrupt PLEC protein function with a negative predictive value of 80%. In summary, the available evidence is currently insufficient to determine the role of this variant in disease. Therefore, it has been classified as a Variant of Uncertain Significance.